The following is an entry in ClinVar:

ClinVar aggregate classification (germline): Uncertain significance (1 of 4 stars; one submission).

gnomAD v4.1: 1 of 1,613,920 alleles (0.000062%); highest among the groups gnomAD compares: African/African-American, 0.0013%; no homozygotes.

Submission:

Dasa
Classification: Uncertain significance. Last evaluated: 2025-06-17. Review status: criteria provided, single submitter. Criteria: DASA Assertion Criteria. Collection method: clinical testing. Allele origin: germline.
Comment: NM_006078.5(CACNG2):c.850C>G (p.Pro284Ala) is a missense variant that results in the substitution of proline with alanine. This variant is rare in population databases. Computational prediction algorithms are consistent with a benign effect. The currently available literature and clinical evidence are not sufficient to establish a definitive association between this variant and the reported condition. Therefore, this variant is classified as a variant of uncertain significance.

NM_006078.5(CACNG2):c.850C>G (p.Pro284Ala)

Gene: CACNG2 (calcium voltage-gated channel auxiliary subunit gamma 2; minus strand). Cytogenetic location: 22q12.3.
Variant type: single nucleotide variant.
Coding change: c.850C>G on transcript NM_006078.5 (MANE Select); coding-DNA position 850, C replaced by G.
Protein change: p.Pro284Ala; replaces proline 284 with alanine.
Molecular consequence: missense variant. On other transcripts: non-coding transcript variant (1).
Genome position (GRCh38, 1-based): chr22:36,564,473, G>C on the plus strand (C>G on the coding strand, the complement: CACNG2 is on the minus strand). VCF-style: chr22-36564473-G-C. GRCh37 (hg19) VCF-style: chr22-36960520-G-C.
Other names: c.781C>G, p.Pro261Ala (NM_001379051.1); short protein forms P261A, P284A.
Identifiers: ClinVar variation 5020938 (VCV005020938.1).
Genomic context (GRCh38, chr22:36,564,473, plus strand): 5'-GGATACAGTTGTGAACCTGGAGGAAGCTGTTATCCCTGTCGGAGTTGTAGGTGGCGGTGG[G>C]CGTGGTGGCGGCCTTCAGGGGGTCCCTGCTGAGCGTGTACATGGAGATCTCCGTGGACGG-3'
Protein context (NP_006069.1, residues 274-294): SRDPLKAATT[Pro284Ala]TATYNSDRDN